The following is an entry in ClinVar:

NM_176787.5(PIGN):c.2283G>A (p.Lys761=)

Gene: PIGN (phosphatidylinositol glycan anchor biosynthesis class N; minus strand). Cytogenetic location: 18q21.33.
Variant type: single nucleotide variant.
Coding change: c.2283G>A on transcript NM_176787.5 (MANE Select); coding-DNA position 2283, G replaced by A.
Protein change: p.Lys761=; no amino-acid change (lysine 761 retained).
Molecular consequence: synonymous variant.
Genome position (GRCh38, 1-based): chr18:62,090,476, C>T on the plus strand (G>A on the coding strand, the complement: PIGN is on the minus strand). VCF-style: chr18-62090476-C-T. GRCh37 (hg19) VCF-style: chr18-59757709-C-T.
Other names: c.2283G>A, p.Lys761= (NM_012327.6).
Identifiers: ClinVar variation 641238 (VCV000641238.6), dbSNP rs780154131, ClinGen allele CA8982026.

ClinVar aggregate classification (germline): Uncertain significance (1 of 4 stars; one submission).

Conditions:
Multiple congenital anomalies-hypotonia-seizures syndrome 1 (MCAHS1). Also called: PIGN-CDG; Congenital disorder of glycosylation due to PIGN deficiency; GLYCOSYLPHOSPHATIDYLINOSITOL BIOSYNTHESIS DEFECT 3. Identifiers: Orphanet 280633, MedGen C3279775, MONDO:0013563, OMIM 614080.

gnomAD v4.1: 44 of 1,584,318 alleles (0.0028%); highest among the groups gnomAD compares: Non-Finnish European, 0.0036%; no homozygotes.

Submission:

Labcorp Genetics (formerly Invitae), Labcorp
Classification: Uncertain significance for Multiple congenital anomalies-hypotonia-seizures syndrome 1. Last evaluated: 2019-06-22. Review status: criteria provided, single submitter. Criteria: Invitae Variant Classification Sherloc (09022015). Collection method: clinical testing. Allele origin: germline.
Comment: This sequence change affects codon 761 of the PIGN mRNA. It is a 'silent' change, meaning that it does not change the encoded amino acid sequence of the PIGN protein. This variant also falls at the last nucleotide of exon 24 of the PIGN coding sequence, which is part of the consensus splice site for this exon. This variant is present in population databases (rs780154131, ExAC 0.002%). This variant has not been reported in the literature in individuals with PIGN-related disease. Nucleotide substitutions within the consensus splice site are a relatively common cause of aberrant splicing (PMID: 17576681, 9536098). Algorithms developed to predict the effect of sequence changes on RNA splicing suggest that this variant may disrupt the consensus splice site, but this prediction has not been confirmed by published transcriptional studies. In summary, the available evidence is currently insufficient to determine the role of this variant in disease. Therefore, it has been classified as a Variant of Uncertain Significance.

Literature cited by the submitters: PubMed 17576681; PubMed 9536098.